The following is an entry in ClinVar:

ClinVar aggregate classification (germline): Pathogenic (1 of 4 stars; one submission).

Conditions:
Neurofibromatosis, type 1 (NF1). Also called: Neurofibromatosis, type I; NEUROFIBROMATOSIS, TYPE I, SOMATIC; Peripheral type neurofibromatosis; VON RECKLINGHAUSEN DISEASE. Identifiers: Orphanet 636, MedGen C0027831, MONDO:0018975, OMIM 162200. Disease mechanism: loss of function.

Submission:

Labcorp Genetics (formerly Invitae), Labcorp
Classification: Pathogenic for Neurofibromatosis, type 1. Last evaluated: 2016-04-09. Review status: criteria provided, single submitter. Criteria: Invitae Variant Classification Sherloc (09022015). Collection method: clinical testing. Allele origin: germline.
Comment: This sequence change deletes 1 nucleotide from exon 34 of the NF1 mRNA (c.4535delG), causing a frameshift at codon 1512. This creates a premature translational stop signal (p.Arg1512Asnfs*41) and is expected to result in an absent or disrupted protein product. For these reasons, this variant has been classified as Pathogenic. While this particular variant has not been reported in the literature, truncating variants in NF1 are known to be pathogenic (PMID: 10712197, 23913538).

Literature cited by the submitters: PubMed 10712197; PubMed 23913538.

NM_001042492.3(NF1):c.4598del (p.Arg1533fs)

Gene: NF1 (neurofibromin 1; plus strand). Cytogenetic location: 17q11.2.
Variant type: Deletion.
Coding change: c.4598del on transcript NM_001042492.3 (MANE Select); coding-DNA position 4598, one base deleted (G; older notation c.4598delG).
Protein change: p.Arg1533fs; shifts the reading frame from arginine 1533.
Molecular consequence: frameshift variant.
Genome position (GRCh38, 1-based): chr17:31,261,731, G deleted. VCF-style (leftmost placement, unchanged base first): chr17-31261730-AG-A. GRCh37 (hg19) VCF-style: chr17-29588748-AG-A.
Other names: c.4535delG (NM_000267.3); c.4535delG, p.Arg1512Asnfs (NM_000267.4); short protein forms R1533fs, R1512fs.
Identifiers: ClinVar variation 404484 (VCV000404484.5), dbSNP rs1060500292, ClinGen allele CA16615646.